The following is an entry in ClinVar:

ClinVar aggregate classification (germline): Likely benign. Review status: criteria provided, multiple submitters, no conflicts (2 of 4 stars). 3 submissions from 3 submitters: Likely benign (2). 1 of the submissions does not count toward it. Last evaluated 2026-01-06.

Conditions:
LONP1-related disorder. Also called: LONP1-related disorders; LONP1-related condition.

Allele frequency attached by ClinVar (database versions not stated): 1000 Genomes Project 30x 0.00016; 1000 Genomes Project 0.00020; TOPMed 0.00090; gnomAD 0.00092 and 0.00093; gnomAD exomes 0.00104 and 0.00160; ESP Exome Variant Server 0.00123; ExAC 0.00125.
gnomAD v4.1: 2,454 of 1,612,958 alleles (0.15%); highest among the groups gnomAD compares: Non-Finnish European, 0.19%; 6 homozygotes.

Submissions (3):

Labcorp Genetics (formerly Invitae), Labcorp
Classification: Likely benign. Last evaluated: 2026-01-06. Review status: criteria provided, single submitter. Criteria: Invitae Variant Classification Sherloc (09022015). Collection method: clinical testing. Allele origin: germline.

CeGaT Center for Human Genetics Tuebingen
Classification: Likely benign. Last evaluated: 2022-10-01. Review status: criteria provided, single submitter. Criteria: CeGaT Center For Human Genetics Tuebingen Variant Classification Criteria Version 2. Collection method: clinical testing. Allele origin: germline. Affected: yes. Observed: 2 variant alleles.
Comment: LONP1: BP4, BP7

PreventionGenetics, part of Exact Sciences
Classification: Likely benign for LONP1-related condition. Last evaluated: 2021-04-01. Review status: no assertion criteria provided. Collection method: clinical testing. Allele origin: germline. Not counted in ClinVar's aggregate classification.
Comment: This variant is classified as likely benign based on ACMG/AMP sequence variant interpretation guidelines (Richards et al. 2015 PMID: 25741868, with internal and published modifications).

NM_004793.4(LONP1):c.1914G>A (p.Thr638=)

Gene: LONP1 (lon peptidase 1, mitochondrial; minus strand). Cytogenetic location: 19p13.3.
Variant type: single nucleotide variant.
Coding change: c.1914G>A on transcript NM_004793.4 (MANE Select); coding-DNA position 1914, G replaced by A.
Protein change: p.Thr638=; no amino-acid change (threonine 638 retained).
Molecular consequence: synonymous variant. On other transcripts: non-coding transcript variant (1).
Genome position (GRCh38, 1-based): chr19:5,696,153, C>T on the plus strand (G>A on the coding strand, the complement: LONP1 is on the minus strand). VCF-style: chr19-5696153-C-T. GRCh37 (hg19) VCF-style: chr19-5696164-C-T.
Other names: c.1722G>A, p.Thr574= (NM_001276479.2); c.1326G>A, p.Thr442= (NM_001276480.1).
Identifiers: ClinVar variation 779468 (VCV000779468.39), dbSNP rs140242308, ClinGen allele CA9114397.